The following is an entry in ClinVar:

ClinVar aggregate classification (germline): Uncertain significance. Review status: criteria provided, multiple submitters, no conflicts (2 of 4 stars). 3 submissions from 3 submitters: Uncertain significance (3). Last evaluated 2024-07-04.

Conditions:
Inborn genetic diseases. Identifiers: MedGen C0950123, MeSH D030342.
Senior-Loken syndrome 8 (SLSN8). Identifiers: Orphanet 3156, MedGen C4225376, MONDO:0014579, OMIM 616307.
Asphyxiating thoracic dystrophy 5 (SRTD5). Also called: SHORT-RIB THORACIC DYSPLASIA 5 WITH OR WITHOUT POLYDACTYLY; SHORT-RIB THORACIC DYSPLASIA 5 WITHOUT POLYDACTYLY. Identifiers: Orphanet 474, MedGen C3280598, MONDO:0013717, OMIM 614376.

Allele frequency attached by ClinVar (database versions not stated): ExAC 0.00002; gnomAD exomes 0.00002; gnomAD 0.00003; TOPMed 0.00004; ESP Exome Variant Server 0.00008.
gnomAD v4.1: 41 of 1,613,804 alleles (0.0025%); highest among the groups gnomAD compares: African/African-American, 0.0093%; no homozygotes.

Submissions (3):

Blueprint Genetics
Classification: Uncertain significance. Last evaluated: 2024-07-04. Review status: criteria provided, single submitter. Criteria: ACMG Guidelines, 2015. Collection method: clinical testing. Allele origin: germline.

Ambry Genetics
Classification: Uncertain significance for Inborn genetic diseases. Last evaluated: 2024-03-05. Review status: criteria provided, single submitter. Criteria: Ambry Variant Classification Scheme 2023. Collection method: clinical testing. Allele origin: germline.

Labcorp Genetics (formerly Invitae), Labcorp
Classification: Uncertain significance for Senior-Loken syndrome 8; Asphyxiating thoracic dystrophy 5. Last evaluated: 2022-05-17. Review status: criteria provided, single submitter. Criteria: Invitae Variant Classification Sherloc (09022015). Collection method: clinical testing. Allele origin: germline.
Comment: In summary, the available evidence is currently insufficient to determine the role of this variant in disease. Therefore, it has been classified as a Variant of Uncertain Significance. Algorithms developed to predict the effect of missense changes on protein structure and function (SIFT, PolyPhen-2, Align-GVGD) all suggest that this variant is likely to be tolerated. This variant has not been reported in the literature in individuals affected with WDR19-related conditions. This variant is present in population databases (rs369494725, gnomAD 0.01%). This sequence change replaces arginine, which is basic and polar, with histidine, which is basic and polar, at codon 878 of the WDR19 protein (p.Arg878His).

NM_025132.4(WDR19):c.2633G>A (p.Arg878His)

Gene: WDR19 (WD repeat domain 19; plus strand). Cytogenetic location: 4p14.
Variant type: single nucleotide variant.
Coding change: c.2633G>A on transcript NM_025132.4 (MANE Select); coding-DNA position 2633, G replaced by A.
Protein change: p.Arg878His; replaces arginine 878 with histidine.
Molecular consequence: missense variant.
Genome position (GRCh38, 1-based): chr4:39,244,540, G>A. VCF-style: chr4-39244540-G-A. GRCh37 (hg19) VCF-style: chr4-39246160-G-A.
Other names: c.2153G>A, p.Arg718His (NM_001317924.2); c.2633G>A (NM_025132.3); short protein forms R878H, R718H.
Identifiers: ClinVar variation 2139911 (VCV002139911.5), dbSNP rs369494725, ClinGen allele CA2892130.